The following is an entry in ClinVar:

ClinVar aggregate classification (germline): Uncertain significance (1 of 4 stars; one submission).

gnomAD v4.1: 1 of 1,606,750 alleles (0.000062%); highest among the groups gnomAD compares: Non-Finnish European, 0.000085%; no homozygotes.

Submission:

Labcorp Genetics (formerly Invitae), Labcorp
Classification: Uncertain significance. Last evaluated: 2022-05-25. Review status: criteria provided, single submitter. Criteria: Invitae Variant Classification Sherloc (09022015). Collection method: clinical testing. Allele origin: germline.
Comment: This variant is not present in population databases (gnomAD no frequency). This sequence change replaces aspartic acid, which is acidic and polar, with asparagine, which is neutral and polar, at codon 3 of the TRPM1 protein (p.Asp3Asn). This variant has not been reported in the literature in individuals affected with TRPM1-related conditions. In summary, the available evidence is currently insufficient to determine the role of this variant in disease. Therefore, it has been classified as a Variant of Uncertain Significance. Algorithms developed to predict the effect of missense changes on protein structure and function are either unavailable or do not agree on the potential impact of this missense change (SIFT: "Deleterious"; PolyPhen-2: "Probably Damaging"; Align-GVGD: "Class C0").

NM_001252024.2(TRPM1):c.73G>A (p.Asp25Asn)

Gene: TRPM1 (transient receptor potential cation channel subfamily M member 1; minus strand). Cytogenetic location: 15q13.3.
Variant type: single nucleotide variant.
Coding change: c.73G>A on transcript NM_001252024.2 (MANE Select); coding-DNA position 73, G replaced by A.
Protein change: p.Asp25Asn; replaces aspartic acid 25 with asparagine.
Molecular consequence: missense variant.
Genome position (GRCh38, 1-based): chr15:31,076,915, C>T on the plus strand (G>A on the coding strand, the complement: TRPM1 is on the minus strand). VCF-style: chr15-31076915-C-T. GRCh37 (hg19) VCF-style: chr15-31369118-C-T.
Other names: c.124G>A, p.Asp42Asn (NM_001252020.2); c.7G>A, p.Asp3Asn (NM_001252030.2, NM_002420.6); short protein forms D3N, D25N, D42N.
Identifiers: ClinVar variation 1974545 (VCV001974545.5), dbSNP rs189343111, ClinGen allele CA7453127.